The following is an entry in ClinVar:

ClinVar aggregate classification (germline): Pathogenic/Likely pathogenic. Review status: criteria provided, multiple submitters, no conflicts (2 of 4 stars). 2 submissions from 2 submitters: Pathogenic (1); Likely pathogenic (1). Last evaluated 2025-01-30.

Conditions:
Spastic paraplegia. Identifiers: MedGen C0037772, HP:0001258.
Hereditary spastic paraplegia 15 (SPG15). Also called: SPASTIC PARAPLEGIA 15, AUTOSOMAL RECESSIVE; KJELLIN SYNDROME; SPASTIC PARAPLEGIA AND RETINAL DEGENERATION. Identifiers: Orphanet 100996, MedGen C1849128, MONDO:0010044, OMIM 270700.

Allele frequency attached by ClinVar (database versions not stated): gnomAD exomes below 0.00001; gnomAD 0.00001; TOPMed 0.00004.
gnomAD v4.1: 4 of 1,614,140 alleles (0.00025%); highest among the groups gnomAD compares: Non-Finnish European, 0.00034%; no homozygotes.

Submissions (2):

Labcorp Genetics (formerly Invitae), Labcorp
Classification: Pathogenic for Spastic paraplegia. Last evaluated: 2025-01-30. Review status: criteria provided, single submitter. Criteria: Invitae Variant Classification Sherloc (09022015). Collection method: clinical testing. Allele origin: germline.
Comment: This sequence change affects a donor splice site in intron 38 of the ZFYVE26 gene. RNA analysis indicates that disruption of this splice site induces altered splicing and may result in an absent or altered protein product. This variant is present in population databases (no rsID available, gnomAD 0.0009%). Disruption of this splice site has been observed in individual(s) with hereditary spastic paraplegia (PMID: 19805727). ClinVar contains an entry for this variant (Variation ID: 551226). Studies have shown that disruption of this splice site results in skipping of exon 38, and produces a non-functional protein and/or introduces a premature termination codon (PMID: 19805727). For these reasons, this variant has been classified as Pathogenic.

Myriad Genetics, Inc.
Classification: Likely pathogenic for Hereditary spastic paraplegia 15. Last evaluated: 2021-11-12. Review status: criteria provided, single submitter. Criteria: Myriad Women's Health Autosomal Recessive and X-Linked Classification Criteria (2021). Collection method: clinical testing. Allele origin: unknown.
Comment: NM_015346.3(ZFYVE26):c.7128+2T>A is a canonical splice site variant classified as likely pathogenic in the context of spastic paraplegia type 15. c.7128+2T>A has been observed in a case with relevant disease (PMID: 19805727). Functional assessments of this variant are available in the literature (PMID: 19805727). c.7128+2T>A has been observed in population frequency databases (gnomAD: NFE 0.001%). In summary, NM_015346.3(ZFYVE26):c.7128+2T>A is a canonical splice site variant in a gene where loss of function is a known mechanism of disease, is predicted to disrupt protein function, and has been observed more frequently in cases with the relevant disease than in healthy populations. Please note: this variant was assessed in the context of healthy population screening.

Literature cited by the submitters: PubMed 19805727 (cited by Labcorp Genetics (formerly Invitae), Labcorp and Myriad Genetics, Inc.).

NM_015346.4(ZFYVE26):c.7128+2T>A

Gene: ZFYVE26 (zinc finger FYVE-type containing 26; minus strand). Cytogenetic location: 14q24.1.
Variant type: single nucleotide variant.
Coding change: c.7128+2T>A on transcript NM_015346.4 (MANE Select); the canonical splice donor site of the intron after coding-DNA position 7128, T replaced by A.
Molecular consequence: splice donor variant.
Genome position (GRCh38, 1-based): chr14:67,754,069, A>T on the plus strand (T>A on the coding strand, the complement: ZFYVE26 is on the minus strand). VCF-style: chr14-67754069-A-T. GRCh37 (hg19) VCF-style: chr14-68220786-A-T.
Identifiers: ClinVar variation 551226 (VCV000551226.11), dbSNP rs1049504575, ClinGen allele CA262812942.